The following is an entry in ClinVar:

ClinVar aggregate classification (germline): Pathogenic. Review status: criteria provided, multiple submitters, no conflicts (2 of 4 stars). 9 submissions from 9 submitters: Pathogenic (9). Last evaluated 2026-04-29.

Conditions:
XDH-related disorder. Also called: XDH-related condition.
Hereditary xanthinuria type 1 (XAN1). Identifiers: Orphanet 3467, Orphanet 93601, MedGen C0268118, MONDO:0010209, OMIM 278300.
Xanthinuria type II. Also called: Xanthine dehydrogenase and aldehyde oxidase combined deficiency of; XDH and AOX dual deficiency. Identifiers: Orphanet 3467, Orphanet 93602, MedGen C1863688, MONDO:0011346, OMIM 603592.

Submissions (9):

PreventionGenetics, part of Exact Sciences
Classification: Pathogenic for XDH-related condition. Last evaluated: 2026-04-29. Review status: criteria provided, single submitter. Criteria: ACMG Guidelines, 2015. Collection method: clinical testing. Allele origin: germline.
Comment: The XDH c.140dupG variant is predicted to result in a frameshift and premature protein termination (p.Cys48Leufs*12). This variant is also referred to as c.141insG in the literature. It has been reported in the homozygous or compound heterozygous state in individuals and family members with xanthinuria (Nakamura et al. 2012. PubMed ID: 22981351; Peretz et al. 2021. PubMed ID: 34356852; Mraz et al. 2014. PubMed ID: 25370766). This variant is reported in 0.10% of alleles in individuals of South Asian descent in gnomAD. Frameshift variants in XDH are expected to be pathogenic. This variant is interpreted as pathogenic.

Labcorp Genetics (formerly Invitae), Labcorp
Classification: Pathogenic for Xanthinuria type II. Last evaluated: 2025-11-11. Review status: criteria provided, single submitter. Criteria: Invitae Variant Classification Sherloc (09022015). Collection method: clinical testing. Allele origin: germline.
Comment: This sequence change creates a premature translational stop signal (p.Cys48Leufs*12) in the XDH gene. It is expected to result in an absent or disrupted protein product. Loss-of-function variants in XDH are known to be pathogenic (PMID: 9153281). This variant is present in population databases (rs773456900, gnomAD 0.1%). This premature translational stop signal has been observed in individual(s) with xanthinuria (PMID: 22981351). This variant is also known as 141insG. ClinVar contains an entry for this variant (Variation ID: 641114). Algorithms developed to predict the effect of sequence changes on RNA splicing suggest that this variant may disrupt the consensus splice site. For these reasons, this variant has been classified as Pathogenic.

First Genomix Gene Laboratory, Genetic Diagnostics Department
Classification: Pathogenic for Hereditary xanthinuria type 1. Last evaluated: 2025-01-06. Review status: criteria provided, single submitter. Criteria: ACMG Guidelines, 2015. Collection method: clinical testing. Allele origin: germline. Inheritance: Autosomal recessive inheritance. Affected: no. Observed: 1 variant allele.

Blueprint Genetics
Classification: Pathogenic for XDH-related disorders. Last evaluated: 2024-08-26. Review status: criteria provided, single submitter. Criteria: ACMG Guidelines, 2015. Collection method: clinical testing. Allele origin: germline. Affected: yes. Observed: 5 variant alleles.

3billion
Classification: Pathogenic for Hereditary xanthinuria type 1. Last evaluated: 2023-02-23. Review status: criteria provided, single submitter. Criteria: ACMG Guidelines, 2015. Collection method: clinical testing. Allele origin: unknown. Affected: yes.
Comment: The variant is observed at an extremely low frequency in the gnomAD v2.1.1 dataset (total allele frequency: 0.013%). This variant was predicted to result in a loss or disruption of normal protein function through nonsense-mediated decay (NMD) or protein truncation. Multiple pathogenic variants are reported downstream of the variant. The variant has been reported at least twice as pathogenic with clinical assertions and evidence for the classification (ClinVar ID: VCV000641114 / PMID: 22981351). Therefore, this variant is classified as Pathogenic according to the recommendation of ACMG/AMP guideline.

Victorian Clinical Genetics Services, Murdoch Childrens Research Institute
Classification: Pathogenic for Hereditary xanthinuria type 1. Last evaluated: 2022-02-02. Review status: criteria provided, single submitter. Criteria: ACMG Guidelines, 2015. Collection method: clinical testing. Allele origin: germline. Inheritance: Autosomal recessive inheritance.
Comment: Based on the classification scheme VCGS_Germline_v1.3.4, this variant is classified as Pathogenic. Following criteria are met: 0102 - Loss of function is a known mechanism of disease in this gene and is associated with Xanthinuria, type I (MIM#278300). (I) 0106 - This gene is associated with autosomal recessive disease. (I) 0115 - Variants in this gene are known to have variable expressivity. Both age of onset and disease severity have been reported, including intrafamilial variability (PMID: 32071838). (I) 0201 - Variant is predicted to cause nonsense-mediated decay (NMD) and loss of protein (premature termination codon is located at least 54 nucleotides upstream of the final exon-exon junction). (SP) 0252 - This variant is homozygous. (I) 0304 - Variant is present in gnomAD <0.01 for a recessive condition (v2: 38 heterozygotes, 0 homozygotes). (SP) 0701 - Other NMD-predicted variants comparable to the one identified in this case have very strong previous evidence for pathogenicity. Several others have been reported in individuals with classical xanthuria (MIM#278300) (ClinVar, (PMID: 32071838). (SP) 0802 - This variant has moderate previous evidence of pathogenicity in unrelated individuals. It has been reported in a compound heterozygote and a homozygote with xanthinuria, type I (MIM#278300) and classified as pathogenic by a diagnostic laboratory in ClinVar (PMID: 22981351, 25370766). (SP) 0905 - No published segregation evidence has been identified for this variant. (I) 1007 - No published functional evidence has been identified for this variant. (I) Legend: (SP) - Supporting pathogenic, (I) - Information, (SB) - Supporting benign

Fulgent Genetics
Classification: Pathogenic for Hereditary xanthinuria type 1. Last evaluated: 2021-06-30. Review status: criteria provided, single submitter. Criteria: ACMG Guidelines, 2015. Collection method: clinical testing. Allele origin: unknown.
Comment: This variant has been detected in individual(s) who were sent for testing of Renasight - kidney gene panel.

Revvity Omics, Revvity
Classification: Pathogenic for Hereditary xanthinuria type 1. Last evaluated: 2020-07-30. Review status: criteria provided, single submitter. Criteria: ACMG Guidelines, 2015. Collection method: clinical testing. Allele origin: germline.

Neuberg Centre For Genomic Medicine, NCGM
Classification: Pathogenic for Hereditary xanthinuria type 1. Review status: criteria provided, single submitter. Criteria: ACMG Guidelines, 2015. Collection method: clinical testing. Allele origin: germline. Inheritance: Autosomal recessive inheritance. Affected: yes.
Comment: The frameshift duplication p.C48Lfs*12 in XDH (NM_000379.4) has been previously reported in one inidvidual as 141insG (Nakamura M et al). It has been reported to ClinVar as Pathogenic.The frameshift variant c.140dupG (p.C48Lfs*12) in XDH (NM_000379.4) is observed in 31/30616 (0.1013%) alleles from individuals of South Asian background in the gnomAD dataset (Exome Aggregation Consortium et al., 2016),This variant is predicted to cause loss of normal protein function through protein truncation. Loss of function variants are known to be disease causing.For these reasons, this variant has been classified as Pathogenic.

Literature cited by the submitters: PubMed 9153281 (cited by Labcorp Genetics (formerly Invitae), Labcorp); PubMed 22981351 (cited by 3 submitters); PubMed 25370766 (cited by Victorian Clinical Genetics Services, Murdoch Childrens Research Institute); PubMed 32071838 (cited by Victorian Clinical Genetics Services, Murdoch Childrens Research Institute).

NM_000379.4(XDH):c.140dup (p.Cys48fs)

Gene: XDH (xanthine dehydrogenase; minus strand). Cytogenetic location: 2p23.1.
Variant type: Duplication.
Coding change: c.140dup on transcript NM_000379.4 (MANE Select); coding-DNA position 140, one base duplicated (G; older notation c.140dupG).
Protein change: p.Cys48fs; shifts the reading frame from cysteine 48.
Molecular consequence: frameshift variant.
Genome position (GRCh38, 1-based): chr2:31,403,105, C duplicated on the plus strand (G on the coding strand, the reverse complement: XDH is on the minus strand); the first of 6 consecutive C bases (chr2:31,403,105-31,403,110); duplicating any one gives the same sequence. VCF-style (leftmost placement, unchanged base first): chr2-31403104-G-GC. GRCh37 (hg19) VCF-style: chr2-31625970-G-GC.
Other names: c.140dupG (NM_000379.3, NM_000379.4); short protein forms C48fs.
Identifiers: ClinVar variation 641114 (VCV000641114.23), dbSNP rs773456900, ClinGen allele CA1599755.